The following is an entry in ClinVar:

ClinVar aggregate classification (germline): Conflicting classifications of pathogenicity. Review status: criteria provided, conflicting classifications (1 of 4 stars). 2 submissions from 2 submitters: Uncertain significance (1); Likely benign (1). Last evaluated 2025-12-02.

Conditions:
Inborn genetic diseases. Identifiers: MedGen C0950123, MeSH D030342.

gnomAD v4.1: 49 of 1,537,078 alleles (0.0032%); highest among the groups gnomAD compares: South Asian, 0.011%; no homozygotes.

Submissions (2):

Labcorp Genetics (formerly Invitae), Labcorp
Classification: Uncertain significance. Last evaluated: 2025-12-02. Review status: criteria provided, single submitter. Criteria: Invitae Variant Classification Sherloc (09022015). Collection method: clinical testing. Allele origin: germline.
Comment: This sequence change replaces alanine, which is neutral and non-polar, with valine, which is neutral and non-polar, at codon 1783 of the PIEZO2 protein (p.Ala1783Val). This variant is not present in population databases (gnomAD no frequency). This variant has not been reported in the literature in individuals affected with PIEZO2-related conditions. ClinVar contains an entry for this variant (Variation ID: 4136477). Invitae Evidence Modeling of protein sequence and biophysical properties (such as structural, functional, and spatial information, amino acid conservation, physicochemical variation, residue mobility, and thermodynamic stability) indicates that this missense variant is not expected to disrupt PIEZO2 protein function with a negative predictive value of 80%. In summary, the available evidence is currently insufficient to determine the role of this variant in disease. Therefore, it has been classified as a Variant of Uncertain Significance.

Ambry Genetics
Classification: Likely benign for Inborn genetic diseases. Last evaluated: 2025-06-24. Review status: criteria provided, single submitter. Criteria: Ambry Variant Classification Scheme 2023. Collection method: clinical testing. Allele origin: germline.

NM_001378183.1(PIEZO2):c.5687C>T (p.Ala1896Val)

Gene: PIEZO2 (piezo type mechanosensitive ion channel component 2; minus strand). Cytogenetic location: 18p11.22.
Variant type: single nucleotide variant.
Coding change: c.5687C>T on transcript NM_001378183.1 (MANE Select); coding-DNA position 5687, C replaced by T.
Protein change: p.Ala1896Val; replaces alanine 1896 with valine.
Molecular consequence: missense variant.
Genome position (GRCh38, 1-based): chr18:10,705,648, G>A on the plus strand (C>T on the coding strand, the complement: PIEZO2 is on the minus strand). VCF-style: chr18-10705648-G-A. GRCh37 (hg19) VCF-style: chr18-10705646-G-A.
Other names: c.5423C>T, p.Ala1808Val (NM_001410871.1); c.5348C>T, p.Ala1783Val (NM_022068.4); short protein forms A1896V, A1808V, A1783V.
Identifiers: ClinVar variation 4136477 (VCV004136477.2).